The following is an entry in ClinVar:

NM_003590.5(CUL3):c.1230_1231del (p.Leu412fs)

Gene: CUL3 (cullin 3; minus strand). Cytogenetic location: 2q36.2.
Variant type: Deletion.
Coding change: c.1230_1231del on transcript NM_003590.5 (MANE Select); coding-DNA positions 1230 to 1231, 2 bases deleted (AA; older notation c.1230_1231delAA).
Protein change: p.Leu412fs; shifts the reading frame from leucine 412.
Molecular consequence: frameshift variant.
Genome position (GRCh38, 1-based): chr2:224,503,798-224,503,799, TT deleted on the plus strand (AA on the coding strand, the reverse complement: CUL3 is on the minus strand). VCF-style (leftmost placement, unchanged base first): chr2-224503797-ATT-A. GRCh37 (hg19) VCF-style: chr2-225368514-ATT-A.
Other names: c.1032_1033del, p.Leu346fs (NM_001257197.2); c.1248_1249del, p.Leu418fs (NM_001257198.2); short protein forms L346fs, L412fs, L418fs.
Identifiers: ClinVar variation 3393550 (VCV003393550.2).

ClinVar aggregate classification (germline): Pathogenic (1 of 4 stars; one submission).

Submission:

GeneDx
Classification: Pathogenic. Last evaluated: 2025-04-13. Review status: criteria provided, single submitter. Criteria: GeneDx Variant Classification Process June 2021. Collection method: clinical testing. Allele origin: germline. Affected: yes.
Comment: Frameshift variant predicted to result in protein truncation or nonsense mediated decay in a gene for which loss of function is a known mechanism of disease; Not observed at significant frequency in large population cohorts (gnomAD); Has not been previously published as pathogenic or benign to our knowledge